The following is an entry in ClinVar:

ClinVar aggregate classification (germline): Uncertain significance (1 of 4 stars; one submission).

Conditions:
Genitopatellar syndrome (GTPTS). Also called: Genitopatellar syndrome (GPS); ABSENT PATELLAE, SCROTAL HYPOPLASIA, RENAL ANOMALIES, FACIAL DYSMORPHISM, AND MENTAL RETARDATION. Identifiers: Orphanet 85201, MedGen C1853566, MONDO:0011640, OMIM 606170.

Allele frequency attached by ClinVar (database versions not stated): gnomAD exomes below 0.00001; ExAC 0.00001; gnomAD 0.00001; TOPMed 0.00001; ESP Exome Variant Server 0.00008.
gnomAD v4.1: 5 of 1,613,542 alleles (0.00031%); highest among the groups gnomAD compares: Non-Finnish European, 0.00042%; no homozygotes.

Submission:

Labcorp Genetics (formerly Invitae), Labcorp
Classification: Uncertain significance for Genitopatellar syndrome. Last evaluated: 2023-08-20. Review status: criteria provided, single submitter. Criteria: Invitae Variant Classification Sherloc (09022015). Collection method: clinical testing. Allele origin: germline.
Comment: This sequence change replaces proline, which is neutral and non-polar, with leucine, which is neutral and non-polar, at codon 253 of the KAT6B protein (p.Pro253Leu). In summary, the available evidence is currently insufficient to determine the role of this variant in disease. Therefore, it has been classified as a Variant of Uncertain Significance. Advanced modeling of protein sequence and biophysical properties (such as structural, functional, and spatial information, amino acid conservation, physicochemical variation, residue mobility, and thermodynamic stability) performed at Invitae indicates that this missense variant is not expected to disrupt KAT6B protein function. ClinVar contains an entry for this variant (Variation ID: 2171919). This variant has not been reported in the literature in individuals affected with KAT6B-related conditions. This variant is present in population databases (rs377149439, gnomAD 0.007%).

NM_012330.4(KAT6B):c.758C>T (p.Pro253Leu)

Gene: KAT6B (lysine acetyltransferase 6B; plus strand). Cytogenetic location: 10q22.2.
Variant type: single nucleotide variant.
Coding change: c.758C>T on transcript NM_012330.4 (MANE Select); coding-DNA position 758, C replaced by T.
Protein change: p.Pro253Leu; replaces proline 253 with leucine.
Molecular consequence: missense variant. On other transcripts: intron variant (2).
Genome position (GRCh38, 1-based): chr10:74,969,687, C>T. VCF-style: chr10-74969687-C-T. GRCh37 (hg19) VCF-style: chr10-76729445-C-T.
Other names: c.758C>T, p.Pro253Leu (NM_001370140.1, NM_001370141.1, NM_001370142.1 and 10 more transcripts); c.193-9537C>T (NM_001370134.1); c.192+9609C>T (NM_001370135.1); short protein forms P253L.
Identifiers: ClinVar variation 2171919 (VCV002171919.4), dbSNP rs377149439, ClinGen allele CA5564299.